The following is an entry in ClinVar:

ClinVar aggregate classification (germline): Uncertain significance (1 of 4 stars; one submission).

Conditions:
Familial thoracic aortic aneurysm and aortic dissection (TAAD). Also called: Thoracic aortic aneurysms and dissections. Identifiers: Orphanet 91387, MedGen C4707243, MONDO:0019625.

Submission:

Ambry Genetics
Classification: Uncertain significance for Familial thoracic aortic aneurysm and aortic dissection. Last evaluated: 2026-07-21. Review status: criteria provided, single submitter. Criteria: Ambry Variant Classification Scheme 2023. Collection method: clinical testing. Allele origin: germline.
Comment: The p.A1208V variant (also known as c.3623C>T), located in coding exon 50 of the COL5A2 gene, results from a C to T substitution at nucleotide position 3623. The alanine at codon 1208 is replaced by valine, an amino acid with similar properties. This amino acid position is conserved. In addition, this alteration is predicted to be tolerated by in silico analysis. Based on the available evidence, the clinical significance of this variant remains unclear.

NM_000393.5(COL5A2):c.3623C>T (p.Ala1208Val)

Gene: COL5A2 (collagen type V alpha 2 chain; minus strand). Cytogenetic location: 2q32.2.
Variant type: single nucleotide variant.
Coding change: c.3623C>T on transcript NM_000393.5 (MANE Select); coding-DNA position 3623, C replaced by T.
Protein change: p.Ala1208Val; replaces alanine 1208 with valine.
Molecular consequence: missense variant.
Genome position (GRCh38, 1-based): chr2:189,041,596, G>A on the plus strand (C>T on the coding strand, the complement: COL5A2 is on the minus strand). VCF-style: chr2-189041596-G-A. GRCh37 (hg19) VCF-style: chr2-189906322-G-A.
Other names: short protein forms A1208V.
Identifiers: ClinVar variation 5034833 (VCV005034833.1).
Genomic context (GRCh38, chr2:189,041,596, plus strand): 5'-GAGCTATTGAATAAATAGCATTTCTTGCATGTAAACCTTTGTGACTTTACCTCAGGTCCT[G>A]CTTCTCCTACACTGCCTCGTACACCTGGAGGTCCAATTGGCCCAAGTGGCCCAGGGTTTC-3'
Protein context (NP_000384.2, residues 1198-1218): PPGVRGSVGE[Ala1208Val]GPEGPPGEPG